The following is an entry in ClinVar:

NM_014714.4(IFT140):c.2550C>T (p.Ala850=)

Gene: IFT140 (intraflagellar transport 140; minus strand). Cytogenetic location: 16p13.3.
Variant type: single nucleotide variant.
Coding change: c.2550C>T on transcript NM_014714.4 (MANE Select); coding-DNA position 2550, C replaced by T.
Protein change: p.Ala850=; no amino-acid change (alanine 850 retained).
Molecular consequence: synonymous variant.
Genome position (GRCh38, 1-based): chr16:1,526,646, G>A on the plus strand (C>T on the coding strand, the complement: IFT140 is on the minus strand). VCF-style: chr16-1526646-G-A. GRCh37 (hg19) VCF-style: chr16-1576647-G-A.
Identifiers: ClinVar variation 318055 (VCV000318055.16), dbSNP rs2745180, ClinGen allele CA7813588.

ClinVar aggregate classification (germline): Benign. Review status: criteria provided, multiple submitters, no conflicts (2 of 4 stars). 3 submissions from 3 submitters: Benign (3). Last evaluated 2026-02-01.

Conditions:
Saldino-Mainzer syndrome (SRTD9). Also called: Renal dysplasia, retinal pigmentary dystrophy, cerebellar ataxia and skeletal dysplasia; SHORT-RIB THORACIC DYSPLASIA 9 WITHOUT POLYDACTYLY; CONORENAL SYNDROME; short-rib thoracic dysplasia 9 with or without polydactyly. Identifiers: Orphanet 140969, MedGen C1849437, MONDO:0009964, OMIM 266920.

Allele frequency attached by ClinVar (database versions not stated): 1000 Genomes Project 30x 0.00468; 1000 Genomes Project 0.00479; ESP Exome Variant Server 0.00551; gnomAD 0.00573 and 0.00615; TOPMed 0.00588.
gnomAD v4.1: 1,716 of 1,575,112 alleles (0.11%); highest among the groups gnomAD compares: African/African-American, 2%; 22 homozygotes.

Submissions (3):

Labcorp Genetics (formerly Invitae), Labcorp
Classification: Benign for Saldino-Mainzer syndrome. Last evaluated: 2026-02-01. Review status: criteria provided, single submitter. Criteria: Invitae Variant Classification Sherloc (09022015). Collection method: clinical testing. Allele origin: germline.

Illumina Laboratory Services, Illumina
Classification: Benign for Saldino-Mainzer syndrome. Last evaluated: 2018-01-13. Review status: criteria provided, single submitter. Criteria: ICSL Variant Classification Criteria 13 December 2019. Collection method: clinical testing. Allele origin: germline.
Comment: This variant was observed in the ICSL laboratory as part of a predisposition screen in an ostensibly healthy population. It had not been previously curated by ICSL or reported in the Human Gene Mutation Database (HGMD: prior to June 1st, 2018), and was therefore a candidate for classification through an automated scoring system. Utilizing variant allele frequency, disease prevalence and penetrance estimates, and inheritance mode, an automated score was calculated to assess if this variant is too frequent to cause the disease. Based on the score and internal cut-off values, a variant classified as benign is not then subjected to further curation. The score for this variant resulted in a classification of benign for this disease.

Breakthrough Genomics
Classification: Benign. Review status: criteria provided, single submitter. Criteria: ACMG Guidelines, 2015. Collection method: not provided. Allele origin: germline. Inheritance: Autosomal recessive inheritance. Affected: yes.